The following is an entry in ClinVar:

NM_003194.5(TBP):c.216_230del (p.Gln91_Gln95del)

Genes: TBP (TATA-box binding protein; plus strand), LOC108663996 (TATA-box binding protein repeat instability region; plus strand). Cytogenetic location: 6q27.
Variant type: Deletion.
Coding change: c.216_230del on transcript NM_003194.5 (MANE Select); coding-DNA positions 216 to 230, 15 bases deleted (ACAGCAACAGCAGCA).
Protein change: p.Gln91_Gln95del.
Molecular consequence: inframe deletion.
Genome position (GRCh38, 1-based): chr6:170,561,952-170,561,966, ACAGCAACAGCAGCA deleted; deleting any 15 consecutive bases within chr6:170,561,944-170,561,966 gives the same sequence; the c. name uses the placement nearest the transcript's 3' end. VCF-style (leftmost placement, unchanged base first): chr6-170561943-GCAGCAGCAACAGCAA-G. GRCh37 (hg19) VCF-style: chr6-170871031-GCAGCAGCAACAGCAA-G.
Other names: c.156_170del, p.Gln71_Gln75del (NM_001172085.2).
Identifiers: ClinVar variation 2657158 (VCV002657158.24), dbSNP rs770152507, ClinGen allele CA4108286.
Genomic context (GRCh38, chr6:170,561,943, plus strand): 5'-GTCTATTTTGGAAGAGCAACAAAGGCAGCAGCAGCAACAACAACAGCAGCAGCAGCAGCA[GCAGCAGCAACAGCAA>G]CAGCAGCAGCAGCAGCAGCAGCAGCAGCAGCAGCAGCAGCAGCAGCAGCAGCAGCAGCAA-3'

ClinVar aggregate classification (germline): Likely benign (1 of 4 stars; one submission).

Submission:

CeGaT Center for Human Genetics Tuebingen
Classification: Likely benign. Last evaluated: 2024-09-01. Review status: criteria provided, single submitter. Criteria: CeGaT Center For Human Genetics Tuebingen Variant Classification Criteria Version 2. Collection method: clinical testing. Allele origin: germline. Affected: yes. Observed: 3 variant alleles.
Comment: TBP: BS1